The following is an entry in ClinVar:

ClinVar aggregate classification (germline): Uncertain significance (1 of 4 stars; one submission).

Conditions:
Muscular dystrophy-dystroglycanopathy (congenital with impaired intellectual development), type B, 1. Also called: MUSCULAR DYSTROPHY, CONGENITAL, POMT1-RELATED; Muscular dystrophy-dystroglycanopathy (congenital with intellectual disability), type B1. Identifiers: MedGen C5436962, MONDO:0013159, OMIM 613155.
Autosomal recessive limb-girdle muscular dystrophy type 2K. Also called: MUSCULAR DYSTROPHY-DYSTROGLYCANOPATHY (LIMB-GIRDLE), TYPE C, 1; MUSCULAR DYSTROPHY, LIMB-GIRDLE, TYPE 2K. Identifiers: Orphanet 86812, MedGen C1836373, MONDO:0012248, OMIM 609308.
Walker-Warburg congenital muscular dystrophy. Also called: Muscular dystrophy-dystroglycanopathy, type A; Walker-Warburg syndrome. Identifiers: Orphanet 899, MedGen C0265221, MONDO:0000171.

Allele frequency attached by ClinVar (database versions not stated): gnomAD exomes below 0.00001.
gnomAD v4.1: 6 of 1,614,016 alleles (0.00037%); highest among the groups gnomAD compares: South Asian, 0.0033%; no homozygotes.

Submission:

Labcorp Genetics (formerly Invitae), Labcorp
Classification: Uncertain significance for Muscular dystrophy-dystroglycanopathy (congenital with impaired intellectual development), type B, 1; Walker-Warburg congenital muscular dystrophy; Autosomal recessive limb-girdle muscular dystrophy type 2K. Last evaluated: 2020-01-10. Review status: criteria provided, single submitter. Criteria: Invitae Variant Classification Sherloc (09022015). Collection method: clinical testing. Allele origin: germline.
Comment: In summary, the available evidence is currently insufficient to determine the role of this variant in disease. Therefore, it has been classified as a Variant of Uncertain Significance. Algorithms developed to predict the effect of missense changes on protein structure and function (SIFT, PolyPhen-2, Align-GVGD) all suggest that this variant is likely to be disruptive, but these predictions have not been confirmed by published functional studies and their clinical significance is uncertain. This variant has not been reported in the literature in individuals with POMT1-related conditions. This variant is not present in population databases (ExAC no frequency). This sequence change replaces proline with serine at codon 484 of the POMT1 protein (p.Pro484Ser). The proline residue is highly conserved and there is a moderate physicochemical difference between proline and serine.

NM_001077365.2(POMT1):c.1384C>T (p.Pro462Ser)

Gene: POMT1 (protein O-mannosyltransferase 1; plus strand). Cytogenetic location: 9q34.13.
Variant type: single nucleotide variant.
Coding change: c.1384C>T on transcript NM_001077365.2 (MANE Select); coding-DNA position 1384, C replaced by T.
Protein change: p.Pro462Ser; replaces proline 462 with serine.
Molecular consequence: missense variant. On other transcripts: non-coding transcript variant (10), intron variant (1).
Genome position (GRCh38, 1-based): chr9:131,518,855, C>T. VCF-style: chr9-131518855-C-T. GRCh37 (hg19) VCF-style: chr9-134394242-C-T.
Other names: c.1222C>T, p.Pro408Ser (NM_001077366.2, NM_001353194.2); c.1384C>T, p.Pro462Ser (NM_001136113.2); c.1033C>T, p.Pro345Ser (NM_001136114.2, NM_001353195.2, NM_001374691.1 and 2 more transcripts); c.1450C>T, p.Pro484Ser (NM_001353193.2, NM_007171.4); c.1294C>T, p.Pro432Ser (NM_001353196.2); c.1288C>T, p.Pro430Ser (NM_001353197.2, NM_001353198.2); c.1099C>T, p.Pro367Ser (NM_001353199.2); c.928C>T, p.Pro310Ser (NM_001353200.2); and 3 more; short protein forms P310S, P332S, P345S, P367S, P408S, P430S, P432S, P458S.
Identifiers: ClinVar variation 1013680 (VCV001013680.11), dbSNP rs1347678628, ClinGen allele CA375311777.
Genomic context (GRCh38, chr9:131,518,855, plus strand): 5'-GGCCTTCCCATCACGCCCTTTACTCTCCTGCGGTGTCACCAGCTGAGCGGGGCTCACCTC[C>T]CTGACTGGGGGTATCGGCAACTGGAGATCGTCGGGGAGAAGCTGTCCCGGGGCTACCACG-3'
Protein context (NP_001070833.1, residues 452-472): AVLKLSGAHL[Pro462Ser]DWGYRQLEIV